The following is an entry in ClinVar:

NM_001267550.2(TTN):c.5373C>A (p.Thr1791=)

Gene: TTN (titin; minus strand). Cytogenetic location: 2q31.2.
Variant type: single nucleotide variant.
Coding change: c.5373C>A on transcript NM_001267550.2 (MANE Select); coding-DNA position 5373, C replaced by A.
Protein change: p.Thr1791=; no amino-acid change (threonine 1791 retained).
Molecular consequence: synonymous variant.
Genome position (GRCh38, 1-based): chr2:178,776,491, G>T on the plus strand (C>A on the coding strand, the complement: TTN is on the minus strand). VCF-style: chr2-178776491-G-T. GRCh37 (hg19) VCF-style: chr2-179641218-G-T.
Other names: c.5373C>A, p.Thr1791= (NM_133378.4, NM_001256850.1, NM_133379.5); c.5235C>A, p.Thr1745= (NM_003319.4, NM_133432.3, NM_133437.4).
Identifiers: ClinVar variation 166315 (VCV000166315.24), dbSNP rs727503693, ClinGen allele CA179302.
Genomic context (GRCh38, chr2:178,776,491, plus strand): 5'-TTTCCTCCCCTCAGGCAATTGGGATTCTTCCACAAGACTTTTCTCATCTTTAACAATAAG[G>T]GTAGCAGATGTGTGATCTGTTCCATATTTGTTAGTGGCTCTGCAAGTAATGATACCACTG-3'
Protein context (NP_001254479.2, residues 1781-1801): NKYGTDHTSA[Thr1791=]LIVKDEKSLV

ClinVar aggregate classification (germline): Conflicting classifications of pathogenicity. Review status: criteria provided, conflicting classifications (1 of 4 stars). 6 submissions from 6 submitters: Uncertain significance (1); Likely benign (5). Last evaluated 2026-01-06.

Conditions:
Cardiovascular phenotype. Identifiers: MedGen CN230736.
Autosomal recessive limb-girdle muscular dystrophy type 2J (LGMDR10). Also called: Limb-girdle muscular dystrophy, type 2J; MUSCULAR DYSTROPHY, LIMB-GIRDLE, AUTOSOMAL RECESSIVE 10. Identifiers: Orphanet 140922, MedGen C1837342, MONDO:0012127, OMIM 608807.
Dilated cardiomyopathy 1G (CMD1G). Identifiers: Orphanet 154, MedGen C1858763, MONDO:0011400, OMIM 604145.

Allele frequency attached by ClinVar (database versions not stated): ExAC 0.00002; gnomAD 0.00002; TOPMed 0.00003; gnomAD exomes 0.00004 and 0.00005.
gnomAD v4.1: 75 of 1,607,952 alleles (0.0047%); highest among the groups gnomAD compares: Non-Finnish European, 0.0062%; no homozygotes.

Submissions (6):

Labcorp Genetics (formerly Invitae), Labcorp
Classification: Likely benign for Dilated cardiomyopathy 1G; Autosomal recessive limb-girdle muscular dystrophy type 2J. Last evaluated: 2026-01-06. Review status: criteria provided, single submitter. Criteria: Invitae Variant Classification Sherloc (09022015). Collection method: clinical testing. Allele origin: germline.

Molecular Diagnostic Laboratory for Inherited Cardiovascular Disease, Montreal Heart Institute
Classification: Likely benign. Last evaluated: 2025-04-08. Review status: criteria provided, single submitter. Criteria: ACMG Guidelines, 2015. Collection method: clinical testing. Allele origin: germline. Affected: no.

Blueprint Genetics
Classification: Likely benign. Last evaluated: 2024-10-03. Review status: criteria provided, single submitter. Criteria: ACMG Guidelines, 2015. Collection method: clinical testing. Allele origin: germline.

Ambry Genetics
Classification: Likely benign for Cardiovascular phenotype. Last evaluated: 2019-06-01. Review status: criteria provided, single submitter. Criteria: Ambry Variant Classification Scheme 2023. Collection method: clinical testing. Allele origin: germline.

Eurofins Ntd Llc (ga)
Classification: Uncertain significance. Last evaluated: 2015-06-11. Review status: criteria provided, single submitter. Criteria: EGL Classification Definitions 2015. Collection method: clinical testing. Allele origin: germline. Observed: 1 variant allele, 1 heterozygote.

Laboratory for Molecular Medicine, Mass General Brigham Personalized Medicine
Classification: Likely benign. Last evaluated: 2013-08-13. Review status: criteria provided, single submitter. Criteria: LMM Criteria. Collection method: clinical testing. Allele origin: germline. Observed: 1 variant allele.
Comment: Thr1791Thr in exon 28 of TTN: This variant is not expected to have clinical sign ificance because it does not alter an amino acid residue and is not located with in the splice consensus sequence. Thr1791Thr in exon 28 of TTN: (allele freque ncy = n/a)